The following is an entry in ClinVar:

ClinVar aggregate classification (germline): Uncertain significance (1 of 4 stars; one submission).

Conditions:
Intellectual disability, CASK-related, X-linked. Identifiers: MedGen CN043158.

Submission:

Labcorp Genetics (formerly Invitae), Labcorp
Classification: Uncertain significance for Intellectual disability, CASK-related, X-linked. Last evaluated: 2023-02-08. Review status: criteria provided, single submitter. Criteria: Invitae Variant Classification Sherloc (09022015). Collection method: clinical testing. Allele origin: germline.
Comment: In summary, the available evidence is currently insufficient to determine the role of this variant in disease. Therefore, it has been classified as a Variant of Uncertain Significance. Algorithms developed to predict the effect of missense changes on protein structure and function are either unavailable or do not agree on the potential impact of this missense change (SIFT: "Deleterious"; PolyPhen-2: "Probably Damaging"; Align-GVGD: "Class C0"). This variant has not been reported in the literature in individuals affected with CASK-related conditions. This variant is not present in population databases (gnomAD no frequency). This sequence change replaces glycine, which is neutral and non-polar, with valine, which is neutral and non-polar, at codon 21 of the CASK protein (p.Gly21Val).

NM_001367721.1(CASK):c.62G>T (p.Gly21Val)

Gene: CASK (calcium/calmodulin dependent serine protein kinase; minus strand). Cytogenetic location: Xp11.4.
Variant type: single nucleotide variant.
Coding change: c.62G>T on transcript NM_001367721.1 (MANE Select); coding-DNA position 62, G replaced by T.
Protein change: p.Gly21Val; replaces glycine 21 with valine.
Molecular consequence: missense variant.
Genome position (GRCh38, 1-based): chrX:41,853,225, C>A on the plus strand (G>T on the coding strand, the complement: CASK is on the minus strand). VCF-style: chrX-41853225-C-A. GRCh37 (hg19) VCF-style: chrX-41712478-C-A.
Other names: c.62G>T, p.Gly21Val (NM_001126054.3, NM_001126055.3, NM_001410745.1 and 1 more transcripts); short protein forms G21V.
Identifiers: ClinVar variation 2835439 (VCV002835439.3), dbSNP rs2071299462, ClinGen allele CA413001060.